The following is an entry in ClinVar:

ClinVar aggregate classification (germline): Uncertain significance (1 of 4 stars; one submission).

Conditions:
Familial cancer of breast. Also called: BREAST CANCER, FAMILIAL; Hereditary breast cancer; hereditary breast carcinoma. Identifiers: Orphanet 227535, MedGen C0346153, MONDO:0016419, OMIM 114480. Disease mechanism: loss of function.

Submission:

Labcorp Genetics (formerly Invitae), Labcorp
Classification: Uncertain significance for Familial cancer of breast. Last evaluated: 2023-12-01. Review status: criteria provided, single submitter. Criteria: Invitae Variant Classification Sherloc (09022015). Collection method: clinical testing. Allele origin: unknown.
Comment: This variant results in a copy number gain of the genomic region encompassing exon(s) 2 of the BARD1 gene. While the exact position of this variant cannot be determined from the data, sub-genic copy number gains are generally in tandem (PMID: 25640679). This variant is predicted to be in-frame, and likely preserves the integrity of the reading frame. This variant has not been reported in the literature in individuals affected with BARD1-related conditions. Experimental studies and prediction algorithms are not available or were not evaluated, and the functional significance of this variant is currently unknown. In summary, the available evidence is currently insufficient to determine the role of this variant in disease. Therefore, it has been classified as a Variant of Uncertain Significance.

Literature cited by the submitters: PubMed 25640679.

NC_000002.11:g.(?_215661765)_(215661861_?)dup

Gene: BARD1 (BRCA1 associated RING domain 1; minus strand). Cytogenetic location: 2q35.
Variant type: Duplication.
Identifiers: ClinVar variation 3247176 (VCV003247176.1).